The following is an entry in ClinVar:

NM_000038.6(APC):c.3123A>C (p.Gln1041His)

Gene: APC (APC regulator of Wnt signaling pathway; plus strand). Cytogenetic location: 5q22.2.
Variant type: single nucleotide variant.
Coding change: c.3123A>C on transcript NM_000038.6 (MANE Select); coding-DNA position 3123, A replaced by C.
Protein change: p.Gln1041His; replaces glutamine 1041 with histidine.
Molecular consequence: missense variant. On other transcripts: non-coding transcript variant (2).
Genome position (GRCh38, 1-based): chr5:112,838,717, A>C. VCF-style: chr5-112838717-A-C. GRCh37 (hg19) VCF-style: chr5-112174414-A-C.
Other names: c.3123A>C, p.Gln1041His (NM_001127510.3, NM_001354895.2, NM_001407450.1); c.3069A>C, p.Gln1023His (NM_001127511.3); c.3177A>C, p.Gln1059His (NM_001354896.2, NM_001407447.1, NM_001407448.1 and 1 more transcripts); c.3153A>C, p.Gln1051His (NM_001354897.2); c.3048A>C, p.Gln1016His (NM_001354898.2); c.3039A>C, p.Gln1013His (NM_001354899.2); c.3000A>C, p.Gln1000His (NM_001354900.2); c.2946A>C, p.Gln982His (NM_001354901.2, NM_001407453.1); and 11 more; short protein forms Q1000H, Q1013H, Q1016H, Q1023H, Q1031H, Q1034H, Q1041H, Q1051H.
Identifiers: ClinVar variation 4861147 (VCV004861147.1).

ClinVar aggregate classification (germline): Uncertain significance (1 of 4 stars; one submission).

Conditions:
Hereditary cancer-predisposing syndrome. Also called: Neoplastic Syndromes, Hereditary; Tumor predisposition; Hereditary Cancer Syndrome; Hereditary neoplastic syndrome. Identifiers: Orphanet 140162, MedGen C0027672, MeSH D009386, MONDO:0015356.

Submission:

Ambry Genetics
Classification: Uncertain significance for Hereditary cancer-predisposing syndrome. Last evaluated: 2026-04-10. Review status: criteria provided, single submitter. Criteria: Ambry Variant Classification Scheme 2023. Collection method: clinical testing. Allele origin: germline.
Comment: The p.Q1041H variant (also known as c.3123A>C), located in coding exon 15 of the APC gene, results from an A to C substitution at nucleotide position 3123. The glutamine at codon 1041 is replaced by histidine, an amino acid with highly similar properties. This amino acid position is conserved. In addition, in silico predictors for this gene do not accurately predict pathogenicity. Based on the available evidence, the clinical significance of this variant remains unclear.